The following is an entry in ClinVar:

NM_020338.4(ZMIZ1):c.2758dup (p.Gln920fs)

Gene: ZMIZ1 (zinc finger MIZ-type containing 1; plus strand). Cytogenetic location: 10q22.3.
Variant type: Duplication.
Coding change: c.2758dup on transcript NM_020338.4 (MANE Select); coding-DNA position 2758, one base duplicated (C; older notation c.2758dupC).
Protein change: p.Gln920fs; shifts the reading frame from glutamine 920.
Molecular consequence: frameshift variant.
Genome position (GRCh38, 1-based): chr10:79,307,494, C duplicated; the last of 7 consecutive C bases (chr10:79,307,488-79,307,494); duplicating any one gives the same sequence. VCF-style (leftmost placement, unchanged base first): chr10-79307487-G-GC. GRCh37 (hg19) VCF-style: chr10-81067244-G-GC.
Other names: c.2758dup (NM_020338.3); c.2752dupC (NM_020338.3); short protein forms Q920fs.
Identifiers: ClinVar variation 548962 (VCV000548962.6), dbSNP rs777843533, ClinGen allele CA5573105.

ClinVar aggregate classification (germline): Pathogenic. Review status: criteria provided, multiple submitters, no conflicts (2 of 4 stars). 5 submissions from 5 submitters: Pathogenic (4). 1 of the submissions does not count toward it. Last evaluated 2026-03-27.

Conditions:
Hemolytic anemia due to glutathione reductase deficiency (CNSHA10). Also called: ANEMIA, CONGENITAL, NONSPHEROCYTIC HEMOLYTIC, 10. Identifiers: Orphanet 90030, MedGen C5231513, MONDO:0019531, OMIM 618660.
Syndromic neurodevelopmental disorder.
ZMIZ1-related disorder. Also called: ZMIZ1-related condition.

Submissions (5):

Center for Human Genetics and Genomic Medicine, Uniklinik Rwth Aachen
Classification: Pathogenic for Hemolytic anemia due to glutathione reductase deficiency. Last evaluated: 2026-03-27. Review status: criteria provided, single submitter. Criteria: ACMG Guidelines, 2015. Collection method: clinical testing. Allele origin: de novo. Affected: yes.

GeneDx
Classification: Pathogenic. Last evaluated: 2023-09-29. Review status: criteria provided, single submitter. Criteria: GeneDx Variant Classification Process June 2021. Collection method: clinical testing. Allele origin: germline. Affected: yes.
Comment: Frameshift variant predicted to result in protein truncation or nonsense mediated decay in a gene for which loss-of-function is a known mechanism of disease; Not observed at significant frequency in large population cohorts (gnomAD); This variant is associated with the following publications: (PMID: 30639322)

Blueprint Genetics
Classification: Pathogenic for ZMIZ1-related disorders. Last evaluated: 2020-11-04. Review status: criteria provided, single submitter. Criteria: ACMG Guidelines, 2015. Collection method: clinical testing. Allele origin: germline. Affected: yes. Observed: 1 variant allele.

HudsonAlpha Institute for Biotechnology
Classification: Pathogenic. Last evaluated: 2019-03-29. Review status: criteria provided, single submitter. Criteria: ACMG Guidelines, 2015. Collection method: research. Allele origin: de novo. Observed: 1 variant allele.

University of Washington Center for Mendelian Genomics, University of Washington
Classification: Likely pathogenic for syndromic neurodevelopmental disorder. Review status: no assertion criteria provided. Collection method: research. Allele origin: de novo. Affected: yes. Not counted in ClinVar's aggregate classification.

Literature cited by the submitters: PubMed 30639322 (cited by University of Washington Center for Mendelian Genomics, University of Washington).